The following is an entry in ClinVar:

NM_024642.5(GALNT12):c.472A>G (p.Ser158Gly)

Gene: GALNT12 (polypeptide N-acetylgalactosaminyltransferase 12; plus strand). Cytogenetic location: 9q22.33.
Variant type: single nucleotide variant.
Coding change: c.472A>G on transcript NM_024642.5 (MANE Select); coding-DNA position 472, A replaced by G.
Protein change: p.Ser158Gly; replaces serine 158 with glycine.
Molecular consequence: missense variant.
Genome position (GRCh38, 1-based): chr9:98,823,356, A>G. VCF-style: chr9-98823356-A-G. GRCh37 (hg19) VCF-style: chr9-101585638-A-G.
Other names: short protein forms S158G.
Identifiers: ClinVar variation 825128 (VCV000825128.16), dbSNP rs140383365, ClinGen allele CA5153948.

ClinVar aggregate classification (germline): Uncertain significance. Review status: criteria provided, multiple submitters, no conflicts (2 of 4 stars). 3 submissions from 3 submitters: Uncertain significance (3). Last evaluated 2025-03-30.

Conditions:
Colorectal cancer, susceptibility to, 1. Also called: COLORECTAL ADENOMA AND CANCER, SUSCEPTIBILITY TO; COLORECTAL CANCER, SUSCEPTIBILITY TO, ON CHROMOSOME 9. Identifiers: MedGen C1837315, MONDO:0012132, OMIM 608812.

Allele frequency attached by ClinVar (database versions not stated): ExAC 0.00002; gnomAD exomes 0.00002 and 0.00004; gnomAD 0.00003; TOPMed 0.00003; ESP Exome Variant Server 0.00015.
gnomAD v4.1: 59 of 1,614,014 alleles (0.0037%); highest among the groups gnomAD compares: Non-Finnish European, 0.0047%; no homozygotes.

Submissions (3):

Labcorp Genetics (formerly Invitae), Labcorp
Classification: Uncertain significance. Last evaluated: 2025-03-30. Review status: criteria provided, single submitter. Criteria: Invitae Variant Classification Sherloc (09022015). Collection method: clinical testing. Allele origin: germline.
Comment: This sequence change replaces serine, which is neutral and polar, with glycine, which is neutral and non-polar, at codon 158 of the GALNT12 protein (p.Ser158Gly). This variant is present in population databases (rs140383365, gnomAD 0.004%). This variant has not been reported in the literature in individuals affected with GALNT12-related conditions. ClinVar contains an entry for this variant (Variation ID: 825128). Invitae Evidence Modeling of protein sequence and biophysical properties (such as structural, functional, and spatial information, amino acid conservation, physicochemical variation, residue mobility, and thermodynamic stability) indicates that this missense variant is not expected to disrupt GALNT12 protein function with a negative predictive value of 80%. In summary, the available evidence is currently insufficient to determine the role of this variant in disease. Therefore, it has been classified as a Variant of Uncertain Significance.

Ambry Genetics
Classification: Uncertain significance. Last evaluated: 2024-11-05. Review status: criteria provided, single submitter. Criteria: Ambry Variant Classification Scheme 2023. Collection method: clinical testing. Allele origin: germline.
Comment: The p.S158G variant (also known as c.472A>G), located in coding exon 2 of the GALNT12 gene, results from an A to G substitution at nucleotide position 472. The serine at codon 158 is replaced by glycine, an amino acid with similar properties. This amino acid position is highly conserved in available vertebrate species. In addition, this alteration is predicted to be deleterious by in silico analysis. The evidence for this gene-disease relationship is limited; therefore, the clinical significance of this alteration is unclear.

Baylor Genetics
Classification: Uncertain significance for Colorectal cancer, susceptibility to, 1. Last evaluated: 2023-08-15. Review status: criteria provided, single submitter. Criteria: ACMG Guidelines, 2015. Collection method: clinical testing. Allele origin: unknown.